The following is an entry in ClinVar:

ClinVar aggregate classification (germline): Likely benign. Review status: criteria provided, multiple submitters, no conflicts (2 of 4 stars). 2 submissions from 2 submitters: Likely benign (2). Last evaluated 2026-01-01.

gnomAD v4.1: 2,101 of 1,614,016 alleles (0.13%); highest among the groups gnomAD compares: Non-Finnish European, 0.17%; 2 homozygotes.

Submissions (2):

CeGaT Center for Human Genetics Tuebingen
Classification: Likely benign. Last evaluated: 2026-01-01. Review status: criteria provided, single submitter. Criteria: CeGaT Center For Human Genetics Tuebingen Variant Classification Criteria Version 2. Collection method: clinical testing. Allele origin: germline. Affected: yes. Observed: 1 variant allele.
Comment: UNC13A: BP4, BP7

Mayo Clinic Laboratories, Mayo Clinic
Classification: Likely benign. Last evaluated: 2025-09-19. Review status: criteria provided, single submitter. Criteria: ACMG Guidelines, 2015. Collection method: clinical testing. Allele origin: germline. Observed: 2 variant alleles.
Comment: BP4, BP7

NM_001080421.3(UNC13A):c.2622C>T (p.Ile874=)

Gene: UNC13A (unc-13 homolog A; minus strand). Cytogenetic location: 19p13.11.
Variant type: single nucleotide variant.
Coding change: c.2622C>T on transcript NM_001080421.3 (MANE Select); coding-DNA position 2622, C replaced by T.
Protein change: p.Ile874=; no amino-acid change (isoleucine 874 retained).
Molecular consequence: synonymous variant.
Genome position (GRCh38, 1-based): chr19:17,641,407, G>A on the plus strand (C>T on the coding strand, the complement: UNC13A is on the minus strand). VCF-style: chr19-17641407-G-A. GRCh37 (hg19) VCF-style: chr19-17752216-G-A.
Other names: p.Ile874=; c.2616C>T, p.Ile872= (NM_001387021.1, NM_001387022.1, NM_001387023.1).
Identifiers: ClinVar variation 4684355 (VCV004684355.5).
Genomic context (GRCh38, chr19:17,641,407, plus strand): 5'-TTGGTGACCTCCCTCTTGTTTCCTGCACCCCAGCCTGCAGTCTCACGTCATGGCTTGGTA[G>A]ATGGACTCGACGCCGTAGCGCATGGCAAACTCGTCCACAATCTCCTGGGCTGTCTCATCG-3'
Protein context (NP_001073890.2, residues 864-884): EFAMRYGVES[Ile874=]YQAMTHFACL